The following is an entry in ClinVar:

NM_020987.5(ANK3):c.6953A>G (p.Lys2318Arg)

Gene: ANK3 (ankyrin 3; minus strand). Cytogenetic location: 10q21.2.
Variant type: single nucleotide variant.
Coding change: c.6953A>G on transcript NM_020987.5 (MANE Select); coding-DNA position 6953, A replaced by G.
Protein change: p.Lys2318Arg; replaces lysine 2318 with arginine.
Molecular consequence: missense variant. On other transcripts: intron variant (4).
Genome position (GRCh38, 1-based): chr10:60,073,928, T>C on the plus strand (A>G on the coding strand, the complement: ANK3 is on the minus strand). VCF-style: chr10-60073928-T-C. GRCh37 (hg19) VCF-style: chr10-61833686-T-C.
Other names: c.4388-5919A>G (NM_001204403.2); c.4409-5919A>G (NM_001204404.2); c.4406-5919A>G (NM_001320874.2); c.1808-5919A>G (NM_001149.4); short protein forms K2318R.
Identifiers: ClinVar variation 377005 (VCV000377005.16), dbSNP rs59021407, ClinGen allele CA5511781.

ClinVar aggregate classification (germline): Benign/Likely benign. Review status: criteria provided, multiple submitters, no conflicts (2 of 4 stars). 3 submissions from 3 submitters: Benign (1); Likely benign (1). 1 of the submissions does not count toward it. Last evaluated 2026-01-26.

Conditions:
ANK3-related disorder. Also called: ANK3-related condition.

Allele frequency attached by ClinVar (database versions not stated): gnomAD exomes 0.00042 and 0.00123; ExAC 0.00173; 1000 Genomes Project 0.00379; 1000 Genomes Project 30x 0.00390; gnomAD 0.00485 and 0.00532; TOPMed 0.00573; ESP Exome Variant Server 0.00630.
gnomAD v4.1: 1,370 of 1,614,066 alleles (0.085%); highest among the groups gnomAD compares: African/African-American, 1.6%; 15 homozygotes.

Submissions (3):

Labcorp Genetics (formerly Invitae), Labcorp
Classification: Benign. Last evaluated: 2026-01-26. Review status: criteria provided, single submitter. Criteria: Invitae Variant Classification Sherloc (09022015). Collection method: clinical testing. Allele origin: germline.

Center for Pediatric Genomic Medicine, Children's Mercy Hospital and Clinics
Classification: Likely benign. Last evaluated: 2017-01-09. Review status: criteria provided, single submitter. Criteria: ACMG Guidelines, 2015. Collection method: clinical testing. Allele origin: germline.
ClinVar note: Converted during submission from Likely Benign to Likely benign.

PreventionGenetics, part of Exact Sciences
Classification: Benign for ANK3-related condition. Last evaluated: 2024-01-18. Review status: no assertion criteria provided. Collection method: clinical testing. Allele origin: germline. Not counted in ClinVar's aggregate classification.
Comment: This variant is classified as benign based on ACMG/AMP sequence variant interpretation guidelines (Richards et al. 2015 PMID: 25741868, with internal and published modifications).